The following is an entry in ClinVar:

ClinVar aggregate classification (germline): Likely benign. Review status: criteria provided, multiple submitters, no conflicts (2 of 4 stars). 6 submissions from 6 submitters: Likely benign (6). Last evaluated 2026-07-26.

Conditions:
TECTA-related disorder. Also called: TECTA-related condition.

Allele frequency attached by ClinVar (database versions not stated): gnomAD exomes 0.00010 and 0.00024; ExAC 0.00029; 1000 Genomes Project 0.00060; 1000 Genomes Project 30x 0.00062; ESP Exome Variant Server 0.00100; gnomAD 0.00110 and 0.00123; TOPMed 0.00119.
gnomAD v4.1: 324 of 1,612,942 alleles (0.02%); highest among the groups gnomAD compares: African/African-American, 0.39%; 1 homozygote.

Submissions (6):

PreventionGenetics, part of Exact Sciences
Classification: Likely benign for TECTA-related condition. Last evaluated: 2026-07-26. Review status: criteria provided, single submitter. Criteria: ACMG Guidelines, 2015. Collection method: clinical testing. Allele origin: germline.
Comment: This variant is classified as likely benign based on ACMG/AMP sequence variant interpretation guidelines (Richards et al. 2015 PMID: 25741868, with internal and published modifications).

Labcorp Genetics (formerly Invitae), Labcorp
Classification: Likely benign. Last evaluated: 2025-10-26. Review status: criteria provided, single submitter. Criteria: Invitae Variant Classification Sherloc (09022015). Collection method: clinical testing. Allele origin: germline.

Blueprint Genetics
Classification: Likely benign. Last evaluated: 2024-03-01. Review status: criteria provided, single submitter. Criteria: ACMG Guidelines, 2015. Collection method: clinical testing. Allele origin: germline.

GeneDx
Classification: Likely benign. Last evaluated: 2021-01-12. Review status: criteria provided, single submitter. Criteria: GeneDx Variant Classification Process June 2021. Collection method: clinical testing. Allele origin: germline. Affected: yes.
Comment: In silico analysis, which includes protein predictors and evolutionary conservation, supports that this variant does not alter protein structure/function; Has not been previously published as pathogenic or benign to our knowledge

Eurofins Ntd Llc (ga)
Classification: Likely benign. Last evaluated: 2018-04-04. Review status: criteria provided, single submitter. Criteria: EGL ClinVar v180209 classification definitions. Collection method: clinical testing. Allele origin: germline. Observed: 1 variant allele, 1 heterozygote.

Laboratory for Molecular Medicine, Mass General Brigham Personalized Medicine
Classification: Likely benign. Last evaluated: 2012-04-30. Review status: criteria provided, single submitter. Criteria: LMM Criteria. Collection method: clinical testing. Allele origin: germline. Observed: 1 variant allele.
Comment: p.Lys708Arg in Exon 08 of TECTA: This variant is not expected to have clinical s ignificance because it has been identified in 0.3% (32/10368) of African chromos omes by the Exome Aggregation Consortium (dbSNP rs144932466).

NM_005422.4(TECTA):c.2123A>G (p.Lys708Arg)

Genes: TBCEL-TECTA (TBCEL-TECTA readthrough; plus strand), TECTA (tectorin alpha; plus strand). Cytogenetic location: 11q23.3.
Variant type: single nucleotide variant.
Coding change: c.2123A>G on transcript NM_005422.4 (MANE Select); coding-DNA position 2123, A replaced by G.
Protein change: p.Lys708Arg; replaces lysine 708 with arginine.
Molecular consequence: missense variant.
Genome position (GRCh38, 1-based): chr11:121,128,100, A>G. VCF-style: chr11-121128100-A-G. GRCh37 (hg19) VCF-style: chr11-120998809-A-G.
Other names: c.3080A>G, p.Lys1027Arg (NM_001378761.1); short protein forms K708R, K1027R.
Identifiers: ClinVar variation 227988 (VCV000227988.21), dbSNP rs144932466, ClinGen allele CA6326913.